The following is an entry in ClinVar:

ClinVar aggregate classification (germline): Likely pathogenic (1 of 4 stars; one submission).

Allele frequency attached by ClinVar (database versions not stated): gnomAD exomes below 0.00001.

Submission:

Quest Diagnostics Nichols Institute San Juan Capistrano
Classification: Likely pathogenic. Last evaluated: 2022-05-19. Review status: criteria provided, single submitter. Criteria: Quest Diagnostics criteria. Collection method: clinical testing. Allele origin: unknown.
Comment: The frequency of this variant (also known as Hb Lansing-Ramathibodi) in the general population, 0.0000065 (1/154964 chromosomes), is uninformative in assessment of its pathogenicity. The variant has been found in symptomatic individuals. Results on protein functions were inconclusive. The variant has a moderate co-segregation with disease in affected individuals. Analysis of this variant using bioinformatics tools for the prediction of the effect of amino acid changes on protein structure and function yielded predictions that this variant is damaging. Based on the available information, this variant is classified as likely pathogenic.

Literature cited by the submitters: PubMed 19536848; PubMed 22639049; PubMed 25330531; PubMed 25826385; PubMed 29620819.

NM_000558.5(HBA1):c.264C>G (p.His88Gln)

Genes: HBA1 (hemoglobin subunit alpha 1; plus strand), LOC106804613 (hemoglobin subunit alpha 1 recombination region; plus strand). Cytogenetic location: 16p13.3.
Variant type: single nucleotide variant.
Coding change: c.264C>G on transcript NM_000558.5 (MANE Select); coding-DNA position 264, C replaced by G.
Protein change: p.His88Gln; replaces histidine 88 with glutamine.
Molecular consequence: missense variant.
Genome position (GRCh38, 1-based): chr16:177,097, C>G. VCF-style: chr16-177097-C-G. GRCh37 (hg19) VCF-style: chr16-227096-C-G.
Other names: short protein forms H88Q.
Identifiers: ClinVar variation 1809522 (VCV001809522.1), dbSNP rs1318210119, ClinGen allele CA393995533.
Genomic context (GRCh38, chr16:177,097, plus strand): 5'-CAACGCCGTGGCGCACGTGGACGACATGCCCAACGCGCTGTCCGCCCTGAGCGACCTGCA[C>G]GCGCACAAGCTTCGGGTGGACCCGGTCAACTTCAAGGTGAGCGGCGGGCCGGGAGCGATC-3'
Protein context (NP_000549.1, residues 78-98): PNALSALSDL[His88Gln]AHKLRVDPVN